The following is an entry in ClinVar:

NM_001128840.3(CACNA1D):c.5585+20G>T

Gene: CACNA1D (calcium voltage-gated channel subunit alpha1 D; plus strand). Cytogenetic location: 3p21.1.
Variant type: single nucleotide variant.
Coding change: c.5585+20G>T on transcript NM_001128840.3 (MANE Select); 20 bases into the intron after coding-DNA position 5585, G replaced by T.
Molecular consequence: intron variant.
Genome position (GRCh38, 1-based): chr3:53,803,592, G>T. VCF-style: chr3-53803592-G-T. GRCh37 (hg19) VCF-style: chr3-53837619-G-T.
Other names: c.5513+20G>T (NM_001128839.3); c.5645+20G>T (NM_000720.4).
Identifiers: ClinVar variation 682611 (VCV000682611.11), dbSNP rs56382996, ClinGen allele CA2455177.

ClinVar aggregate classification (germline): Benign. Review status: criteria provided, multiple submitters, no conflicts (2 of 4 stars). 4 submissions from 4 submitters: Benign (4). Last evaluated 2026-02-04.

Allele frequency attached by ClinVar (database versions not stated): gnomAD 0.15963 and 0.16573; TOPMed 0.16479; ESP Exome Variant Server 0.17100; 1000 Genomes Project 0.17812; 1000 Genomes Project 30x 0.18395.
gnomAD v4.1: 142,546 of 1,612,206 alleles (8.8%); highest among the groups gnomAD compares: African/African-American, 38%; 10,202 homozygotes.

Submissions (4):

Labcorp Genetics (formerly Invitae), Labcorp
Classification: Benign. Last evaluated: 2026-02-04. Review status: criteria provided, single submitter. Criteria: Invitae Variant Classification Sherloc (09022015). Collection method: clinical testing. Allele origin: germline.

Blueprint Genetics
Classification: Benign. Last evaluated: 2024-11-26. Review status: criteria provided, single submitter. Criteria: ACMG Guidelines, 2015. Collection method: clinical testing. Allele origin: germline.

GeneDx
Classification: Benign. Last evaluated: 2018-06-16. Review status: criteria provided, single submitter. Criteria: GeneDx Variant Classification (06012015). Collection method: clinical testing. Allele origin: germline. Affected: yes.
Comment: This variant is considered likely benign or benign based on one or more of the following criteria: it is a conservative change, it occurs at a poorly conserved position in the protein, it is predicted to be benign by multiple in silico algorithms, and/or has population frequency not consistent with disease.

Breakthrough Genomics
Classification: Benign. Review status: criteria provided, single submitter. Criteria: ACMG Guidelines, 2015. Collection method: not provided. Allele origin: germline. Inheritance: Autosomal recessive inheritance. Affected: yes.